The following is an entry in ClinVar:

NM_003611.3(OFD1):c.2929-42C>A

Gene: OFD1 (OFD1 centriole and centriolar satellite protein; plus strand). Cytogenetic location: Xp22.2.
Variant type: single nucleotide variant.
Coding change: c.2929-42C>A on transcript NM_003611.3 (MANE Select); 42 bases into the intron before coding-DNA position 2929, C replaced by A.
Molecular consequence: intron variant.
Genome position (GRCh38, 1-based): chrX:13,768,676, C>A. VCF-style: chrX-13768676-C-A. GRCh37 (hg19) VCF-style: chrX-13786795-C-A.
Other names: c.2509-42C>A (NM_001330210.2); c.2809-42C>A (NM_001330209.2).
Identifiers: ClinVar variation 1800631 (VCV001800631.1), dbSNP rs746822880, ClinGen allele CA10352104.

ClinVar aggregate classification (germline): Likely benign (1 of 4 stars; one submission).

Allele frequency attached by ClinVar (database versions not stated): gnomAD 0.00001; ExAC 0.00006.
gnomAD v4.1: 55 of 961,551 alleles (0.0057%); highest among the groups gnomAD compares: South Asian, 0.1%; no homozygotes.

Submission:

GeneDx
Classification: Likely benign. Last evaluated: 2020-06-17. Review status: criteria provided, single submitter. Criteria: GeneDx Variant Classification Process June 2021. Collection method: clinical testing. Allele origin: germline. Affected: yes.
Comment: See Variant Classification Assertion Criteria.